The following is an entry in ClinVar:

ClinVar aggregate classification (germline): Likely benign. Review status: criteria provided, multiple submitters, no conflicts (2 of 4 stars). 13 submissions from 12 submitters: Likely benign (10). 3 of the submissions do not count toward it. Last evaluated 2026-06-01.

Conditions:
MYH9-related disorder. Identifiers: MedGen C1854520.
Autosomal dominant nonsyndromic hearing loss 17. Also called: Deafness, autosomal dominant 17; Autosomal dominant nonsyndromic deafness 17. Identifiers: Orphanet 90635, MedGen C1863659, MONDO:0011350, OMIM 603622.

Allele frequency attached by ClinVar (database versions not stated): 1000 Genomes Project 30x 0.00078; 1000 Genomes Project 0.00080; TOPMed 0.00114; ESP Exome Variant Server 0.00131; gnomAD 0.00132 and 0.00134; ExAC 0.00153; gnomAD exomes 0.00153.
gnomAD v4.1: 3,160 of 1,613,778 alleles (0.2%); highest among the groups gnomAD compares: Non-Finnish European, 0.24%; 10 homozygotes.

Submissions (13):

CeGaT Center for Human Genetics Tuebingen
Classification: Likely benign. Last evaluated: 2026-06-01. Review status: criteria provided, single submitter. Criteria: CeGaT Center For Human Genetics Tuebingen Variant Classification Criteria Version 2. Collection method: clinical testing. Allele origin: germline. Affected: yes. Observed: 13 variant alleles.
Comment: MYH9: BS2

Labcorp Genetics (formerly Invitae), Labcorp
Classification: Likely benign. Last evaluated: 2026-01-21. Review status: criteria provided, single submitter. Criteria: Invitae Variant Classification Sherloc (09022015). Collection method: clinical testing. Allele origin: germline.

Blueprint Genetics
Classification: Likely benign. Last evaluated: 2024-11-15. Review status: criteria provided, single submitter. Criteria: ACMG Guidelines, 2015. Collection method: clinical testing. Allele origin: germline.

Mayo Clinic Laboratories, Mayo Clinic
Classification: Likely benign. Last evaluated: 2023-10-16. Review status: criteria provided, single submitter. Criteria: ACMG Guidelines, 2015. Collection method: clinical testing. Allele origin: germline. Observed: 4 variant alleles.
Comment: BS1, BP6

ARUP Laboratories, Molecular Genetics and Genomics, ARUP Laboratories
Classification: Likely benign. Last evaluated: 2023-08-25. Review status: criteria provided, single submitter. Criteria: ARUP Molecular Germline Variant Investigation Process 2024. Collection method: clinical testing. Allele origin: germline.

GeneDx
Classification: Likely benign. Last evaluated: 2020-10-27. Review status: criteria provided, single submitter. Criteria: GeneDx Variant Classification Process June 2021. Collection method: clinical testing. Allele origin: germline. Affected: yes.
Comment: This variant is associated with the following publications: (PMID: 29090586)

Center for Pediatric Genomic Medicine, Children's Mercy Hospital and Clinics
Classification: Likely benign. Last evaluated: 2017-06-14. Review status: criteria provided, single submitter. Criteria: ACMG Guidelines, 2015. Collection method: clinical testing. Allele origin: germline.

Illumina Laboratory Services, Illumina
Classification: Likely benign for MYH9-related disorder. Last evaluated: 2017-04-27. Review status: criteria provided, single submitter. Criteria: ICSL Variant Classification Criteria 13 December 2019. Collection method: clinical testing. Allele origin: germline.
Comment: This variant was observed as part of a predisposition screen in an ostensibly healthy population. A literature search was performed for the gene, cDNA change, and amino acid change (where applicable). Publications were found based on this search. The evidence from the literature, in combination with allele frequency data from public databases where available, was sufficient to determine this variant is unlikely to cause disease. Therefore, this variant is classified as likely benign.

Illumina Laboratory Services, Illumina
Classification: Likely benign for Autosomal dominant nonsyndromic hearing loss 17. Last evaluated: 2017-04-27. Review status: criteria provided, single submitter. Criteria: ICSL Variant Classification Criteria 13 December 2019. Collection method: clinical testing. Allele origin: germline.
Comment: This variant was observed as part of a predisposition screen in an ostensibly healthy population. A literature search was performed for the gene, cDNA change, and amino acid change (where applicable). No publications were found based on this search. Allele frequency data from public databases allowed determination this variant is unlikely to cause disease. Therefore, this variant is classified as likely benign.

Laboratory for Molecular Medicine, Mass General Brigham Personalized Medicine
Classification: Likely benign. Last evaluated: 2017-03-26. Review status: criteria provided, single submitter. Criteria: LMM Criteria. Collection method: clinical testing. Allele origin: germline. Inheritance: Autosomal recessive inheritance. Observed: 7 variant alleles.
Comment: p.Lys1775Glu in exon 38 of MYH9: This variant is not expected to have clinical s ignificance because it has been identified in 0.3% (75/25454) of Finnish chromos omes, including 1 homozygote, by the Genome Aggregation Database (gnomAD; dbSNP rs145139708).

Clinical Genetics DNA and cytogenetics Diagnostics Lab, Erasmus MC, Erasmus Medical Center
Classification: Likely benign. Review status: no assertion criteria provided. Collection method: clinical testing. Allele origin: germline. Affected: yes. Study: VKGL Data-share Consensus. Not counted in ClinVar's aggregate classification.

Genome Diagnostics Laboratory, University Medical Center Utrecht
Classification: Benign. Review status: no assertion criteria provided. Collection method: clinical testing. Allele origin: germline. Affected: yes. Study: VKGL Data-share Consensus. Not counted in ClinVar's aggregate classification.

Laboratory of Diagnostic Genome Analysis, Leiden University Medical Center (LUMC)
Classification: Likely benign. Review status: no assertion criteria provided. Collection method: clinical testing. Allele origin: germline. Affected: yes. Study: VKGL Data-share Consensus. Not counted in ClinVar's aggregate classification.

Literature cited by the submitters: PubMed 29090586 (cited by Mayo Clinic Laboratories, Mayo Clinic); PubMed 23349334 (cited by Illumina Laboratory Services, Illumina).

NM_002473.6(MYH9):c.5323A>G (p.Lys1775Glu)

Gene: MYH9 (myosin heavy chain 9; minus strand). Cytogenetic location: 22q12.3.
Variant type: single nucleotide variant.
Coding change: c.5323A>G on transcript NM_002473.6 (MANE Select); coding-DNA position 5323, A replaced by G.
Protein change: p.Lys1775Glu; replaces lysine 1775 with glutamic acid.
Molecular consequence: missense variant.
Genome position (GRCh38, 1-based): chr22:36,285,281, T>C on the plus strand (A>G on the coding strand, the complement: MYH9 is on the minus strand). VCF-style: chr22-36285281-T-C. GRCh37 (hg19) VCF-style: chr22-36681327-T-C.
Other names: short protein forms K1775E.
Identifiers: ClinVar variation 44569 (VCV000044569.56), dbSNP rs145139708, ClinGen allele CA134556.
Genomic context (GRCh38, chr22:36,285,281, plus strand): 5'-GCAGCTTGACCTTAAGCTCCTTGTTCTGGCGTTCCAGCTGCTGCCGAGCATTCTCGTTCT[T>C]CTGGGCGTGGCTGCGCTCCAGGTTCAGGTCGGTGTTGATCTGGTCGATCTGCAGAAGAAG-3'
Protein context (NP_002464.1, residues 1765-1785): DLNLERSHAQ[Lys1775Glu]NENARQQLER